The following is an entry in ClinVar:

ClinVar aggregate classification (germline): Pathogenic. Review status: criteria provided, multiple submitters, no conflicts (2 of 4 stars). 3 submissions from 3 submitters: Pathogenic (3). Last evaluated 2022-09-25.

Conditions:
Hypertrophic cardiomyopathy. Also called: HYPERTROPHIC MYOCARDIOPATHY. Identifiers: Orphanet 217569, MedGen C0007194, MeSH D002312, MONDO:0005045, HP:0001639.
Cardiovascular phenotype. Identifiers: MedGen CN230736.

Submissions (3):

Labcorp Genetics (formerly Invitae), Labcorp
Classification: Pathogenic for Hypertrophic cardiomyopathy. Last evaluated: 2022-09-25. Review status: criteria provided, single submitter. Criteria: Invitae Variant Classification Sherloc (09022015). Collection method: clinical testing. Allele origin: germline.
Comment: This premature translational stop signal has been observed in individual(s) with MYBPC3-related conditions (PMID: 15114369, 23406853, 27532257, 32344918, 33586461, 34137518). This sequence change creates a premature translational stop signal (p.Tyr842*) in the MYBPC3 gene. It is expected to result in an absent or disrupted protein product. Loss-of-function variants in MYBPC3 are known to be pathogenic (PMID: 19574547). This variant is not present in population databases (gnomAD no frequency). ClinVar contains an entry for this variant (Variation ID: 450582). For these reasons, this variant has been classified as Pathogenic.

Ambry Genetics
Classification: Pathogenic for Cardiovascular phenotype. Last evaluated: 2021-05-27. Review status: criteria provided, single submitter. Criteria: Ambry Variant Classification Scheme 2023. Collection method: clinical testing. Allele origin: germline.
Comment: The p.Y842* pathogenic mutation (also known as c.2526C>A), located in coding exon 25 of the MYBPC3 gene, results from a C to A substitution at nucleotide position 2526. This changes the amino acid from a tyrosine to a stop codon within coding exon 25. This alteration has been reported in several hypertrophic cardiomyopathy (HCM) cohorts (Andersen PS et al. Eur J Hum Genet, 2004 Aug;12:673-7; Liu X et al. Sci Rep, 2015 Jun;5:11411; Wu G et al. J Am Heart Assoc, 2021 Feb;10:e018236). In addition to the clinical data presented in the literature, this alteration is expected to result in loss of function by premature protein truncation or nonsense-mediated mRNA decay. As such, this alteration is interpreted as a disease-causing mutation.

GeneDx
Classification: Pathogenic. Last evaluated: 2017-07-17. Review status: criteria provided, single submitter. Criteria: GeneDx Variant Classification (06012015). Collection method: clinical testing. Allele origin: germline. Affected: yes.
Comment: The Y842X (c.2526 C>A) pathogenic variant in the MYBPC3 gene has not been reported as a pathogenic or benign to our knowledge. However, the same amino acid substitution caused by a different nucleotide change (c.2526 C>G) has been reported multiple times in the published literature as a pathogenic variant in association with HCM (Andersen et al., 2004; Zhao et al., 2013; Zou et al., 2013; Liu et al., 2015; Walsh et al., 2017). Y842X (c.2526 C>A) is predicted to cause loss of normal protein function either by protein truncation or nonsense-mediated mRNA decay. Other nonsense variants in the MYBPC3 gene, including multiple downstream, have been reported in Human Gene Mutation Database in association with HCM (Stenson et al., 2014). Furthermore, the Y842X (c.2526 C>A) variant is not observed in large population cohorts (Lek et al., 2016; 1000 Genomes Consortium et al., 2015; Exome Variant Server).

Literature cited by the submitters: PubMed 15114369 (cited by Labcorp Genetics (formerly Invitae), Labcorp and Ambry Genetics); PubMed 23406853 (cited by Labcorp Genetics (formerly Invitae), Labcorp); PubMed 27532257 (cited by Labcorp Genetics (formerly Invitae), Labcorp); PubMed 32344918 (cited by Labcorp Genetics (formerly Invitae), Labcorp and Ambry Genetics); PubMed 33586461 (cited by Labcorp Genetics (formerly Invitae), Labcorp and Ambry Genetics); PubMed 34137518 (cited by Labcorp Genetics (formerly Invitae), Labcorp); PubMed 19574547 (cited by Labcorp Genetics (formerly Invitae), Labcorp); PubMed 23283745 (cited by Ambry Genetics); PubMed 26090888 (cited by Ambry Genetics); PubMed 28450932 (cited by Ambry Genetics).

NM_000256.3(MYBPC3):c.2526C>A (p.Tyr842Ter)

Gene: MYBPC3 (myosin binding protein C3; minus strand). Cytogenetic location: 11p11.2.
Variant type: single nucleotide variant.
Coding change: c.2526C>A on transcript NM_000256.3 (MANE Select); coding-DNA position 2526, C replaced by A.
Protein change: p.Tyr842Ter; replaces tyrosine 842 with a stop codon.
Molecular consequence: nonsense.
Genome position (GRCh38, 1-based): chr11:47,337,467, G>T on the plus strand (C>A on the coding strand, the complement: MYBPC3 is on the minus strand). VCF-style: chr11-47337467-G-T. GRCh37 (hg19) VCF-style: chr11-47359018-G-T.
Other names: c.2526C>A, p.Tyr842Ter (LRG_386t1); short protein forms Y842*.
Identifiers: ClinVar variation 450582 (VCV000450582.8), dbSNP rs373792537, ClinGen allele CA380318189.